The following is an entry in ClinVar:

NC_000023.10:g.(?_32732288)_32834581del

Gene: DMD (dystrophin; minus strand).
Variant type: Deletion.
Identifiers: ClinVar variation 1069344 (VCV001069344.2).

ClinVar aggregate classification (germline): Pathogenic (1 of 4 stars; one submission).

Conditions:
Duchenne muscular dystrophy (DMD). Also called: MUSCULAR DYSTROPHY, PSEUDOHYPERTROPHIC PROGRESSIVE, DUCHENNE TYPE; Duchenne Muscular Dystrophy (DMD). Identifiers: Orphanet 98896, MedGen C0013264, MONDO:0010679, OMIM 310200.

Submission:

Labcorp Genetics (formerly Invitae), Labcorp
Classification: Pathogenic for Duchenne muscular dystrophy. Last evaluated: 2020-10-11. Review status: criteria provided, single submitter. Criteria: Invitae Variant Classification Sherloc (09022015). Collection method: clinical testing. Allele origin: germline.
Comment: This variant is an out-of-frame deletion of the genomic region encompassing exon(s) 7 of the DMD gene. This is expected to create a premature translational stop signal and result in an absent or disrupted protein product. Similar deletions of exon 7 have been observed in individual(s) with Becker or Duchenne muscular dystrophy (PMID: 21515508, 31705731). Loss-of-function variants in DMD are known to be pathogenic (PMID: 16770791, 25007885). For these reasons, this variant has been classified as Pathogenic.

Literature cited by the submitters: PubMed 21515508; PubMed 31705731; PubMed 16770791; PubMed 25007885.